The following is an entry in ClinVar:

NM_020919.4(ALS2):c.1655G>C (p.Cys552Ser)

Gene: ALS2 (alsin Rho guanine nucleotide exchange factor ALS2; minus strand). Cytogenetic location: 2q33.1.
Variant type: single nucleotide variant.
Coding change: c.1655G>C on transcript NM_020919.4 (MANE Select); coding-DNA position 1655, G replaced by C.
Protein change: p.Cys552Ser; replaces cysteine 552 with serine.
Molecular consequence: missense variant.
Genome position (GRCh38, 1-based): chr2:201,753,228, C>G on the plus strand (G>C on the coding strand, the complement: ALS2 is on the minus strand). VCF-style: chr2-201753228-C-G. GRCh37 (hg19) VCF-style: chr2-202617951-C-G.
Other names: c.1655G>C, p.Cys552Ser (NM_001410975.1); short protein forms C552S.
Identifiers: ClinVar variation 3114094 (VCV003114094.2), dbSNP rs779859230, ClinGen allele CA2058391.

ClinVar aggregate classification (germline): Uncertain significance. Review status: criteria provided, multiple submitters, no conflicts (2 of 4 stars). 2 submissions from 2 submitters: Uncertain significance (2). Last evaluated 2023-12-08.

Conditions:
Inborn genetic diseases. Identifiers: MedGen C0950123, MeSH D030342.

Allele frequency attached by ClinVar (database versions not stated): gnomAD 0.00001; TOPMed 0.00001; ExAC 0.00002.
gnomAD v4.1: 16 of 1,613,954 alleles (0.00099%); highest among the groups gnomAD compares: African/African-American, 0.0013%; no homozygotes.

Submissions (2):

Athena Diagnostics
Classification: Uncertain significance. Last evaluated: 2023-12-08. Review status: criteria provided, single submitter. Criteria: Athena Diagnostics Criteria. Collection method: clinical testing. Allele origin: unknown.
Comment: Available data are insufficient to determine the clinical significance of the variant at this time. The frequency of this variant in the general population is uninformative in assessment of its pathogenicity. Computational tools predict that this variant is not damaging.

Ambry Genetics
Classification: Uncertain significance for Inborn genetic diseases. Last evaluated: 2022-10-03. Review status: criteria provided, single submitter. Criteria: Ambry Variant Classification Scheme 2023. Collection method: clinical testing. Allele origin: germline.